The following is an entry in ClinVar:

ClinVar aggregate classification (germline): Uncertain significance. Review status: criteria provided, multiple submitters, no conflicts (2 of 4 stars). 2 submissions from 2 submitters: Uncertain significance (2). Last evaluated 2025-12-02.

Conditions:
Autosomal recessive limb-girdle muscular dystrophy type 2D (LGMDR3). Also called: MUSCULAR DYSTROPHY, LIMB-GIRDLE, AUTOSOMAL RECESSIVE 3; ADHALINOPATHY, PRIMARY; DUCHENNE-LIKE AUTOSOMAL RECESSIVE MUSCULAR DYSTROPHY, TYPE 2. Identifiers: Orphanet 62, MedGen C2936332, MONDO:0011968, OMIM 608099. Disease mechanism: Affects gamma-sarcoglycan and also disrupts the integrity of the entire sarcoglycan complex..

Submissions (2):

Dasa
Classification: Uncertain significance. Last evaluated: 2025-12-02. Review status: criteria provided, single submitter. Criteria: DASA Assertion Criteria. Collection method: clinical testing. Allele origin: germline.
Comment: NM_000023.4(SGCA):c.548G>T (p.Gly183Val) is a missense variant that results in the substitution of glycine with valine. This variant is rare in population databases. Computational prediction algorithms are consistent with a deleterious effect. The currently available literature and clinical evidence are not sufficient to establish a definitive association between this variant and the reported condition. Therefore, this variant is classified as a variant of uncertain significance.

Labcorp Genetics (formerly Invitae), Labcorp
Classification: Uncertain significance for Autosomal recessive limb-girdle muscular dystrophy type 2D. Last evaluated: 2023-08-10. Review status: criteria provided, single submitter. Criteria: Invitae Variant Classification Sherloc (09022015). Collection method: clinical testing. Allele origin: germline.
Comment: In summary, the available evidence is currently insufficient to determine the role of this variant in disease. Therefore, it has been classified as a Variant of Uncertain Significance. Algorithms developed to predict the effect of sequence changes on RNA splicing suggest that this variant may create or strengthen a splice site. Advanced modeling of protein sequence and biophysical properties (such as structural, functional, and spatial information, amino acid conservation, physicochemical variation, residue mobility, and thermodynamic stability) performed at Invitae indicates that this missense variant is expected to disrupt SGCA protein function. ClinVar contains an entry for this variant (Variation ID: 1462924). This variant has not been reported in the literature in individuals affected with SGCA-related conditions. This variant is not present in population databases (gnomAD no frequency). This sequence change replaces glycine, which is neutral and non-polar, with valine, which is neutral and non-polar, at codon 183 of the SGCA protein (p.Gly183Val).

NM_000023.4(SGCA):c.548G>T (p.Gly183Val)

Gene: SGCA (sarcoglycan alpha; plus strand). Cytogenetic location: 17q21.33.
Variant type: single nucleotide variant.
Coding change: c.548G>T on transcript NM_000023.4 (MANE Select); coding-DNA position 548, G replaced by T.
Protein change: p.Gly183Val; replaces glycine 183 with valine.
Molecular consequence: missense variant. On other transcripts: non-coding transcript variant (1).
Genome position (GRCh38, 1-based): chr17:50,168,536, G>T. VCF-style: chr17-50168536-G-T. GRCh37 (hg19) VCF-style: chr17-48245897-G-T.
Other names: c.548G>T, p.Gly183Val (NM_001135697.3); short protein forms G183V.
Identifiers: ClinVar variation 1462924 (VCV001462924.6), dbSNP rs773107290, ClinGen allele CA291536534.
Genomic context (GRCh38, chr17:50,168,536, plus strand): 5'-GACTCTGGGAGCCCGGAGAGCTTCAGCTGCTCAACGTCACCTCTGCCTTGGACCGTGGGG[G>T]CCGTGTCCCCCTTCCCATTGAGGGCCGAAAAGAAGGGTAGGTGTGCAACCCTAGAGGACT-3'
Protein context (NP_000014.1, residues 173-193): LNVTSALDRG[Gly183Val]RVPLPIEGRK